The following is an entry in ClinVar:

ClinVar aggregate classification (germline): Pathogenic (1 of 4 stars; one submission).

Conditions:
Leukocyte adhesion deficiency 1 (LAD1). Also called: LEUKOCYTE ADHESION DEFICIENCY, TYPE I; LAD 1; Lymphocyte function-associated antigen 1 immunodeficiency; LFA 1 immunodeficiency. Identifiers: Orphanet 2968, Orphanet 99842, MedGen C0398738, MONDO:0007293, OMIM 116920.

Submission:

3billion
Classification: Pathogenic for Leukocyte adhesion deficiency 1. Last evaluated: 2024-11-19. Review status: criteria provided, single submitter. Criteria: ACMG Guidelines, 2015. Collection method: clinical testing. Allele origin: germline. Affected: yes.
Comment: The variant is not observed in the gnomAD v4.1.0 dataset. Predicted Consequence/Location: Frameshift: predicted to result in a loss or disruption of normal protein function through nonsense-mediated decay (NMD) or protein truncation. Multiple pathogenic variants are reported downstream of the variant. Therefore, this variant is classified as Pathogenic according to the recommendation of ACMG/AMP guideline.

NM_000211.5(ITGB2):c.19_22dup (p.Leu8fs)

Gene: ITGB2 (integrin subunit beta 2; minus strand). Cytogenetic location: 21q22.3.
Variant type: Duplication.
Coding change: c.19_22dup on transcript NM_000211.5 (MANE Select); coding-DNA positions 19 to 22, 4 bases duplicated (CCAC; older notation c.19_22dupCCAC).
Protein change: p.Leu8fs; shifts the reading frame from leucine 8.
Molecular consequence: frameshift variant. On other transcripts: 5 prime UTR variant (1).
Genome position (GRCh38, 1-based): chr21:44,910,761-44,910,764, GTGG duplicated on the plus strand (CCAC on the coding strand, the reverse complement: ITGB2 is on the minus strand); duplicating any 4 consecutive bases within chr21:44,910,761-44,910,765 gives the same sequence; the c. name uses the placement nearest the transcript's 3' end. VCF-style (leftmost placement, unchanged base first): chr21-44910760-A-AGTGG. GRCh37 (hg19) VCF-style: chr21-46330675-A-AGTGG.
Other names: c.19_22dup, p.Leu8fs (NM_001127491.3); c.-232_-229dup (NM_001303238.2); short protein forms L8fs.
Identifiers: ClinVar variation 4293915 (VCV004293915.1).